The following is an entry in ClinVar:

ClinVar aggregate classification (germline): Uncertain significance (1 of 4 stars; one submission).

Allele frequency attached by ClinVar (database versions not stated): gnomAD exomes below 0.00001; ExAC 0.00001; gnomAD 0.00001.
gnomAD v4.1: 5 of 1,613,886 alleles (0.00031%); highest among the groups gnomAD compares: Non-Finnish European, 0.00034%; no homozygotes.

Submission:

Labcorp Genetics (formerly Invitae), Labcorp
Classification: Uncertain significance. Last evaluated: 2025-03-10. Review status: criteria provided, single submitter. Criteria: Invitae Variant Classification Sherloc (09022015). Collection method: clinical testing. Allele origin: germline.
Comment: This sequence change replaces aspartic acid, which is acidic and polar, with valine, which is neutral and non-polar, at codon 240 of the ROM1 protein (p.Asp240Val). This variant is present in population databases (rs774579867, gnomAD 0.002%). This variant has not been reported in the literature in individuals affected with ROM1-related conditions. ClinVar contains an entry for this variant (Variation ID: 1006336). Invitae Evidence Modeling of protein sequence and biophysical properties (such as structural, functional, and spatial information, amino acid conservation, physicochemical variation, residue mobility, and thermodynamic stability) indicates that this missense variant is not expected to disrupt ROM1 protein function with a negative predictive value of 80%. In summary, the available evidence is currently insufficient to determine the role of this variant in disease. Therefore, it has been classified as a Variant of Uncertain Significance.

NM_000327.4(ROM1):c.719A>T (p.Asp240Val)

Gene: ROM1 (retinal outer segment membrane protein 1; plus strand). Cytogenetic location: 11q12.3.
Variant type: single nucleotide variant.
Coding change: c.719A>T on transcript NM_000327.4 (MANE Select); coding-DNA position 719, A replaced by T.
Protein change: p.Asp240Val; replaces aspartic acid 240 with valine.
Molecular consequence: missense variant.
Genome position (GRCh38, 1-based): chr11:62,614,386, A>T. VCF-style: chr11-62614386-A-T. GRCh37 (hg19) VCF-style: chr11-62381858-A-T.
Other names: short protein forms D240V.
Identifiers: ClinVar variation 1006336 (VCV001006336.8), dbSNP rs774579867, ClinGen allele CA6049824.